The following is an entry in ClinVar:

NM_000038.6(APC):c.422+2136A>T

Gene: APC (APC regulator of WNT signaling pathway; plus strand). Cytogenetic location: 5q22.2.
Variant type: single nucleotide variant.
Coding change: c.422+2136A>T on transcript NM_000038.6 (MANE Select); 2136 bases into the intron after coding-DNA position 422, A replaced by T.
Molecular consequence: intron variant.
Genome position (GRCh38, 1-based): chr5:112,769,526, A>T. VCF-style: chr5-112769526-A-T. GRCh37 (hg19) VCF-style: chr5-112105223-A-T.
Other names: c.422+2136A>T (NM_001354895.2, NM_001127510.3, NM_001354896.2 and 2 more transcripts); c.452+2136A>T (NM_001354897.2, NM_001354902.2, NM_001127511.3); c.347+2136A>T (NM_001354898.2, NM_001354904.2); c.-614+2136A>T (NM_001354906.2); c.245+2136A>T (NM_001354900.2, NM_001354901.2, NM_001354905.2).
Identifiers: ClinVar variation 82884 (VCV000082884.2), dbSNP rs77552656, ClinGen allele CA009062.

ClinVar aggregate classification (germline): other (0 of 4 stars; one submission).

Conditions:
Familial colorectal cancer. Identifiers: MedGen CN280943, MONDO:0023113. Disease mechanism: loss of function.

Allele frequency attached by ClinVar (database versions not stated): 1000 Genomes Project 30x 0.42864; 1000 Genomes Project 0.43291; gnomAD 0.38601 and 0.39907; TOPMed 0.40422.
gnomAD v4.1: 60,705 of 151,652 alleles (40%); highest among the groups gnomAD compares: East Asian, 65%; 14,596 homozygotes.

Submission:

Systems Biology Platform Zhejiang California International NanoSystems Institute
Classification: other for Familial colorectal cancer. Review status: no assertion criteria provided. Collection method: not provided. Allele origin: unknown.
ClinVar note: Converted during submission from cancer to other.